The following is an entry in ClinVar:

ClinVar aggregate classification (germline): Pathogenic (1 of 4 stars; one submission).

Conditions:
Inborn genetic diseases. Identifiers: MedGen C0950123, MeSH D030342.

Submission:

Ambry Genetics
Classification: Pathogenic for Inborn genetic diseases. Last evaluated: 2025-11-14. Review status: criteria provided, single submitter. Criteria: Ambry Variant Classification Scheme 2023. Collection method: clinical testing. Allele origin: germline.
Comment: The c.5170_5194delACCCAGAGCCCAGGCGATTCTCGCC (p.T1724Afs*2) alteration, located in exon 31 (coding exon 31) of the EP300 gene, consists of a deletion of 25 nucleotides from position 5170 to 5194, causing a translational frameshift with a predicted alternate stop codon after 2 amino acids. This variant is not expected to trigger nonsense-mediated mRNA decay and impacts the last 29% of the protein. Premature stop codons are typically deleterious in nature and the impacted region is critical for protein function (Ambry internal data). for EP300-related Rubinstein-Taybi syndrome; however, its clinical significance for EP300-related Menke-Hennekam syndrome is uncertain. This variant was not reported in population-based cohorts in the Genome Aggregation Database (gnomAD). Based on the available evidence, this alteration is classified as pathogenic.

NM_001429.4(EP300):c.5170_5194del (p.Thr1724fs)

Gene: EP300 (EP300 lysine acetyltransferase; plus strand). Cytogenetic location: 22q13.2.
Variant type: Deletion.
Coding change: c.5170_5194del on transcript NM_001429.4 (MANE Select); coding-DNA positions 5170 to 5194, 25 bases deleted (ACCCAGAGCCCAGGCGATTCTCGCC).
Protein change: p.Thr1724fs; shifts the reading frame from threonine 1724.
Molecular consequence: frameshift variant.
Genome position (GRCh38, 1-based): chr22:41,176,881-41,176,905, ACCCAGAGCCCAGGCGATTCTCGCC deleted; deleting any 25 consecutive bases within chr22:41,176,878-41,176,905 gives the same sequence; the c. name uses the placement nearest the transcript's 3' end. VCF-style (leftmost placement, unchanged base first): chr22-41176877-AGCCACCCAGAGCCCAGGCGATTCTC-A. GRCh37 (hg19) VCF-style: chr22-41572881-AGCCACCCAGAGCCCAGGCGATTCTC-A.
Other names: c.5092_5116del, p.Thr1698fs (NM_001362843.2); short protein forms T1698fs, T1724fs.
Identifiers: ClinVar variation 520715 (VCV000520715.6), dbSNP rs1555912112, ClinGen allele CA658799556.